The following is an entry in ClinVar:

ClinVar aggregate classification (germline): Pathogenic. Review status: criteria provided, single submitter (1 of 4 stars). 2 submissions from 2 submitters: Pathogenic (1). 1 of the submissions does not count toward it. Last evaluated 2025-05-07.

Conditions:
Osteogenesis imperfecta with normal sclerae, dominant form (OI4). Also called: Common Variable Osteogenesis Imperfecta with Normal Sclerae; Osteogenesis imperfecta type 4; OSTEOGENESIS IMPERFECTA, TYPE IV, WITH DENTINOGENESIS IMPERFECTA; OSTEOGENESIS IMPERFECTA WITH NORMAL SCLERAE; Osteogenesis Imperfecta Type IV. Identifiers: Orphanet 216820, Orphanet 666, MedGen C0268363, MONDO:0008148, OMIM 166220.

Submissions (2):

3billion
Classification: Pathogenic for Osteogenesis imperfecta with normal sclerae, dominant form. Last evaluated: 2025-05-07. Review status: criteria provided, single submitter. Criteria: ACMG Guidelines, 2015. Collection method: clinical testing. Allele origin: germline. Affected: yes.
Comment: The variant is not observed in the gnomAD v4.1.0 dataset. Predicted Consequence/Location: Canonical splice site: predicted to alter splicing and result in a loss or disruption of normal protein function. Multiple pathogenic loss-of-function variants are reported downstream of the variant. In silico tools predict the variant to alter splicing and produce an abnormal transcript [SpliceAI: 0.97 (spliceogenicity >=0.2, non-spliceogenicity <0.1)]. The variant has been reported to be associated with COL1A1-related disorder (ClinVar ID: VCV000017341 /PMID: 10417276). Therefore, this variant is classified as Pathogenic according to the recommendation of ACMG/AMP guideline.

OMIM
Classification: Pathogenic for OSTEOGENESIS IMPERFECTA, TYPE IV. Last evaluated: 1999-08-01. Review status: no assertion criteria provided. Collection method: literature only. Allele origin: germline. Not counted in ClinVar's aggregate classification.

Literature cited by the submitters: PubMed 10417276 (cited by 3billion and OMIM).

NM_000088.4(COL1A1):c.642+1G>A

Gene: COL1A1 (collagen type I alpha 1 chain; minus strand). Cytogenetic location: 17q21.33.
Variant type: single nucleotide variant.
Coding change: c.642+1G>A on transcript NM_000088.4 (MANE Select); the canonical splice donor site of the intron after coding-DNA position 642, G replaced by A.
Molecular consequence: splice donor variant.
Genome position (GRCh38, 1-based): chr17:50,197,948, C>T on the plus strand (G>A on the coding strand, the complement: COL1A1 is on the minus strand). VCF-style: chr17-50197948-C-T. GRCh37 (hg19) VCF-style: chr17-48275309-C-T.
Other names: IVS8DS, G-A, +1.
Identifiers: ClinVar variation 17341 (VCV000017341.2), dbSNP rs67364703, ClinGen allele CA291548070.